The following is an entry in ClinVar:

NM_144643.4(SCLT1):c.1328A>G (p.Tyr443Cys)

Gene: SCLT1 (sodium channel and clathrin linker 1; minus strand). Cytogenetic location: 4q28.2.
Variant type: single nucleotide variant.
Coding change: c.1328A>G on transcript NM_144643.4 (MANE Select); coding-DNA position 1328, A replaced by G.
Protein change: p.Tyr443Cys; replaces tyrosine 443 with cysteine.
Molecular consequence: missense variant.
Genome position (GRCh38, 1-based): chr4:128,946,118, T>C on the plus strand (A>G on the coding strand, the complement: SCLT1 is on the minus strand). VCF-style: chr4-128946118-T-C. GRCh37 (hg19) VCF-style: chr4-129867273-T-C.
Other names: c.1328A>G, p.Tyr443Cys (NM_001410807.1); short protein forms Y443C.
Identifiers: ClinVar variation 4985331 (VCV004985331.1).

ClinVar aggregate classification (germline): Uncertain significance (1 of 4 stars; one submission).

Conditions:
SCLT1-related disorder. Also called: SCLT1-related condition.

gnomAD v4.1: 4 of 1,608,650 alleles (0.00025%); highest among the groups gnomAD compares: East Asian, 0.0022%; no homozygotes.

Submission:

PreventionGenetics, part of Exact Sciences
Classification: Uncertain significance for SCLT1-related condition. Last evaluated: 2024-11-27. Review status: criteria provided, single submitter. Criteria: ACMG Guidelines, 2015. Collection method: clinical testing. Allele origin: germline.
Comment: The SCLT1 c.1328A>G variant is predicted to result in the amino acid substitution p.Tyr443Cys. To our knowledge, this variant has not been reported in the literature. This variant is reported in 0.00088% of alleles in individuals of European (Non-Finnish) descent in gnomAD. At this time, the clinical significance of this variant is uncertain due to the absence of conclusive functional and genetic evidence.